The following is an entry in ClinVar:

ClinVar aggregate classification (germline): Uncertain significance. Review status: criteria provided, multiple submitters, no conflicts (2 of 4 stars). 3 submissions from 3 submitters: Uncertain significance (3). Last evaluated 2025-07-20.

Conditions:
Neurofibromatosis, type 1 (NF1). Also called: Neurofibromatosis, type I; NEUROFIBROMATOSIS, TYPE I, SOMATIC; Peripheral type neurofibromatosis; VON RECKLINGHAUSEN DISEASE. Identifiers: Orphanet 636, MedGen C0027831, MONDO:0018975, OMIM 162200. Disease mechanism: loss of function.
Hereditary cancer-predisposing syndrome. Also called: Neoplastic Syndromes, Hereditary; Tumor predisposition; Hereditary neoplastic syndrome; Hereditary Cancer Syndrome. Identifiers: Orphanet 140162, MedGen C0027672, MeSH D009386, MONDO:0015356.
Cardiovascular phenotype. Identifiers: MedGen CN230736.

Submissions (3):

Labcorp Genetics (formerly Invitae), Labcorp
Classification: Uncertain significance for Neurofibromatosis, type 1. Last evaluated: 2025-07-20. Review status: criteria provided, single submitter. Criteria: Invitae Variant Classification Sherloc (09022015). Collection method: clinical testing. Allele origin: germline.
Comment: This sequence change replaces threonine, which is neutral and polar, with alanine, which is neutral and non-polar, at codon 1739 of the NF1 protein (p.Thr1739Ala). This variant is present in population databases (no rsID available, gnomAD 0.0009%). This variant has not been reported in the literature in individuals affected with NF1-related conditions. ClinVar contains an entry for this variant (Variation ID: 2915505). Invitae Evidence Modeling of protein sequence and biophysical properties (such as structural, functional, and spatial information, amino acid conservation, physicochemical variation, residue mobility, and thermodynamic stability) has been performed for this missense variant. However, the output from this modeling did not meet the statistical confidence thresholds required to predict the impact of this variant on NF1 protein function. In summary, the available evidence is currently insufficient to determine the role of this variant in disease. Therefore, it has been classified as a Variant of Uncertain Significance.

Quest Diagnostics Nichols Institute San Juan Capistrano
Classification: Uncertain significance. Last evaluated: 2025-07-17. Review status: criteria provided, single submitter. Criteria: Quest Diagnostics criteria. Collection method: clinical testing. Allele origin: unknown.

Ambry Genetics
Classification: Uncertain significance for Cardiovascular phenotype; Hereditary cancer-predisposing syndrome. Last evaluated: 2025-05-08. Review status: criteria provided, single submitter. Criteria: Ambry Variant Classification Scheme 2023. Collection method: clinical testing. Allele origin: germline.
Comment: The p.T1739A variant (also known as c.5215A>G), located in coding exon 37 of the NF1 gene, results from an A to G substitution at nucleotide position 5215. The threonine at codon 1739 is replaced by alanine, an amino acid with similar properties. This amino acid position is highly conserved in available vertebrate species. In addition, the in silico prediction for this alteration is inconclusive. Based on the available evidence, the clinical significance of this variant remains unclear.

NM_001042492.3(NF1):c.5278A>G (p.Thr1760Ala)

Gene: NF1 (neurofibromin 1; plus strand). Cytogenetic location: 17q11.2.
Variant type: single nucleotide variant.
Coding change: c.5278A>G on transcript NM_001042492.3 (MANE Select); coding-DNA position 5278, A replaced by G.
Protein change: p.Thr1760Ala; replaces threonine 1760 with alanine.
Molecular consequence: missense variant.
Genome position (GRCh38, 1-based): chr17:31,327,508, A>G. VCF-style: chr17-31327508-A-G. GRCh37 (hg19) VCF-style: chr17-29654526-A-G.
Other names: c.5215A>G, p.Thr1739Ala (NM_000267.4); short protein forms T1739A, T1760A.
Identifiers: ClinVar variation 2915505 (VCV002915505.5), dbSNP rs1284624366, ClinGen allele CA399008905.